The following is an entry in ClinVar:

NM_001844.5(COL2A1):c.1739C>A (p.Ala580Asp)

Gene: COL2A1 (collagen type II alpha 1 chain; minus strand). Cytogenetic location: 12q13.11.
Variant type: single nucleotide variant.
Coding change: c.1739C>A on transcript NM_001844.5 (MANE Select); coding-DNA position 1739, C replaced by A.
Protein change: p.Ala580Asp; replaces alanine 580 with aspartic acid.
Molecular consequence: missense variant.
Genome position (GRCh38, 1-based): chr12:47,985,089, G>T on the plus strand (C>A on the coding strand, the complement: COL2A1 is on the minus strand). VCF-style: chr12-47985089-G-T. GRCh37 (hg19) VCF-style: chr12-48378872-G-T.
Other names: c.1532C>A, p.Ala511Asp (NM_033150.3); short protein forms A511D, A580D.
Identifiers: ClinVar variation 2703591 (VCV002703591.3), dbSNP rs2540144849, ClinGen allele CA384550810.

ClinVar aggregate classification (germline): Uncertain significance (1 of 4 stars; one submission).

Submission:

Labcorp Genetics (formerly Invitae), Labcorp
Classification: Uncertain significance. Last evaluated: 2023-12-16. Review status: criteria provided, single submitter. Criteria: Invitae Variant Classification Sherloc (09022015). Collection method: clinical testing. Allele origin: germline.
Comment: This sequence change replaces alanine, which is neutral and non-polar, with aspartic acid, which is acidic and polar, at codon 580 of the COL2A1 protein (p.Ala580Asp). This variant is not present in population databases (gnomAD no frequency). This variant has not been reported in the literature in individuals affected with COL2A1-related conditions. Advanced modeling of protein sequence and biophysical properties (such as structural, functional, and spatial information, amino acid conservation, physicochemical variation, residue mobility, and thermodynamic stability) performed at Invitae indicates that this missense variant is not expected to disrupt COL2A1 protein function with a negative predictive value of 95%. In summary, the available evidence is currently insufficient to determine the role of this variant in disease. Therefore, it has been classified as a Variant of Uncertain Significance.